The following is an entry in ClinVar:

NM_015021.3(ZNF292):c.3655G>A (p.Asp1219Asn)

Gene: ZNF292 (zinc finger protein 292; plus strand). Cytogenetic location: 6q14.3.
Variant type: single nucleotide variant.
Coding change: c.3655G>A on transcript NM_015021.3 (MANE Select); coding-DNA position 3655, G replaced by A.
Protein change: p.Asp1219Asn; replaces aspartic acid 1219 with asparagine.
Molecular consequence: missense variant.
Genome position (GRCh38, 1-based): chr6:87,257,284, G>A. VCF-style: chr6-87257284-G-A. GRCh37 (hg19) VCF-style: chr6-87967002-G-A.
Other names: c.3235G>A, p.Asp1079Asn (NM_001351444.2); short protein forms D1079N, D1219N.
Identifiers: ClinVar variation 3054617 (VCV003054617.2), dbSNP rs2482317160, ClinGen allele CA364923566.

ClinVar aggregate classification (germline): Uncertain significance (0 of 4 stars; one submission).

Conditions:
ZNF292-related disorder. Also called: ZNF292-related condition.

Submission:

PreventionGenetics, part of Exact Sciences
Classification: Uncertain significance for ZNF292-related condition. Last evaluated: 2023-12-21. Review status: no assertion criteria provided. Collection method: clinical testing. Allele origin: germline.
Comment: The ZNF292 c.3655G>A variant is predicted to result in the amino acid substitution p.Asp1219Asn. To our knowledge, this variant has not been reported in the literature or in a large population database, indicating this variant is rare. At this time, the clinical significance of this variant is uncertain due to the absence of conclusive functional and genetic evidence.